The following is an entry in ClinVar:

NM_001378615.1(CC2D2A):c.4852C>A (p.Arg1618Ser)

Genes: FBXL5 (F-box and leucine rich repeat protein 5; minus strand), CC2D2A (coiled-coil and C2 domain containing 2A; plus strand). Cytogenetic location: 4p15.32.
Variant type: single nucleotide variant.
Coding change: c.4852C>A on transcript NM_001378615.1 (MANE Select); coding-DNA position 4852, C replaced by A.
Protein change: p.Arg1618Ser; replaces arginine 1618 with serine.
Molecular consequence: missense variant.
Genome position (GRCh38, 1-based): chr4:15,601,414, C>A. VCF-style: chr4-15601414-C-A. GRCh37 (hg19) VCF-style: chr4-15603037-C-A.
Other names: c.4852C>A, p.Arg1618Ser (NM_001080522.2); c.4705C>A, p.Arg1569Ser (NM_001378617.1); short protein forms R1618S, R1569S.
Identifiers: ClinVar variation 955483 (VCV000955483.10), dbSNP rs201219078, ClinGen allele CA356437246.

ClinVar aggregate classification (germline): Uncertain significance (1 of 4 stars; one submission).

Conditions:
Meckel-Gruber syndrome. Also called: Dysencephalia splachnocystica; DYSENCEPHALIA SPLANCHNOCYSTICA; GRUBER SYNDROME. Identifiers: Orphanet 564, MedGen C0265215, MONDO:0018921.
Joubert syndrome. Also called: Familial aplasia of the vermis; JOUBERT-BOLTSHAUSER SYNDROME. Identifiers: Orphanet 475, MedGen C5979921, MONDO:0018772.

gnomAD v4.1: 1 of 1,482,572 alleles (0.000067%); highest among the groups gnomAD compares: Non-Finnish European, 0.00009%; no homozygotes.

Submission:

Labcorp Genetics (formerly Invitae), Labcorp
Classification: Uncertain significance for Joubert syndrome; Meckel-Gruber syndrome. Last evaluated: 2022-02-05. Review status: criteria provided, single submitter. Criteria: Invitae Variant Classification Sherloc (09022015). Collection method: clinical testing. Allele origin: germline.
Comment: Algorithms developed to predict the effect of sequence changes on RNA splicing suggest that this variant may create or strengthen a splice site. In summary, the available evidence is currently insufficient to determine the role of this variant in disease. Therefore, it has been classified as a Variant of Uncertain Significance. Advanced modeling of protein sequence and biophysical properties (such as structural, functional, and spatial information, amino acid conservation, physicochemical variation, residue mobility, and thermodynamic stability) performed at Invitae indicates that this missense variant is expected to disrupt CC2D2A protein function. ClinVar contains an entry for this variant (Variation ID: 955483). This variant has not been reported in the literature in individuals affected with CC2D2A-related conditions. This variant is not present in population databases (gnomAD no frequency). This sequence change replaces arginine, which is basic and polar, with serine, which is neutral and polar, at codon 1618 of the CC2D2A protein (p.Arg1618Ser).